The following is an entry in ClinVar:

ClinVar aggregate classification (germline): Uncertain significance (1 of 4 stars; one submission).

Conditions:
Spastic paraplegia. Identifiers: MedGen C0037772, HP:0001258.

Submission:

Labcorp Genetics (formerly Invitae), Labcorp
Classification: Uncertain significance for Spastic paraplegia. Last evaluated: 2024-10-17. Review status: criteria provided, single submitter. Criteria: Invitae Variant Classification Sherloc (09022015). Collection method: clinical testing. Allele origin: germline.
Comment: This sequence change replaces alanine, which is neutral and non-polar, with threonine, which is neutral and polar, at codon 587 of the KIF5A protein (p.Ala587Thr). This variant is not present in population databases (gnomAD no frequency). This variant has not been reported in the literature in individuals affected with KIF5A-related conditions. ClinVar contains an entry for this variant (Variation ID: 2096228). Invitae Evidence Modeling of protein sequence and biophysical properties (such as structural, functional, and spatial information, amino acid conservation, physicochemical variation, residue mobility, and thermodynamic stability) has been performed for this missense variant. However, the output from this modeling did not meet the statistical confidence thresholds required to predict the impact of this variant on KIF5A protein function. In summary, the available evidence is currently insufficient to determine the role of this variant in disease. Therefore, it has been classified as a Variant of Uncertain Significance.

NM_004984.4(KIF5A):c.1759G>A (p.Ala587Thr)

Gene: KIF5A (kinesin family member 5A; plus strand). Cytogenetic location: 12q13.3.
Variant type: single nucleotide variant.
Coding change: c.1759G>A on transcript NM_004984.4 (MANE Select); coding-DNA position 1759, G replaced by A.
Protein change: p.Ala587Thr; replaces alanine 587 with threonine.
Molecular consequence: missense variant.
Genome position (GRCh38, 1-based): chr12:57,575,126, G>A. VCF-style: chr12-57575126-G-A. GRCh37 (hg19) VCF-style: chr12-57968909-G-A.
Other names: c.1492G>A, p.Ala498Thr (NM_001354705.2); short protein forms A587T, A498T.
Identifiers: ClinVar variation 2096228 (VCV002096228.4), dbSNP rs2540507727, ClinGen allele CA385508952.